The following is an entry in ClinVar:

ClinVar aggregate classification (germline): Uncertain significance (1 of 4 stars; one submission).

Conditions:
Facioscapulohumeral muscular dystrophy 2 (FSHD2). Also called: MUSCULAR DYSTROPHY, FACIOSCAPULOHUMERAL, TYPE 1B; FACIOSCAPULOHUMERAL MUSCULAR DYSTROPHY 2, DIGENIC; FSHD2, DIGENIC. Identifiers: Orphanet 269, MedGen C1834671, MONDO:0008031, OMIM 158901.

Allele frequency attached by ClinVar (database versions not stated): TOPMed below 0.00001; gnomAD 0.00001; gnomAD exomes 0.00001 and 0.00002.
gnomAD v4.1: 8 of 1,233,590 alleles (0.00065%); highest among the groups gnomAD compares: Admixed American, 0.0023%; no homozygotes.

Submission:

Labcorp Genetics (formerly Invitae), Labcorp
Classification: Uncertain significance for Facioscapulohumeral muscular dystrophy 2. Last evaluated: 2025-04-21. Review status: criteria provided, single submitter. Criteria: Invitae Variant Classification Sherloc (09022015). Collection method: clinical testing. Allele origin: germline.
Comment: This sequence change falls in intron 22 of the SMCHD1 gene. It does not directly change the encoded amino acid sequence of the SMCHD1 protein. It affects a nucleotide within the consensus splice site. The frequency data for this variant in the population databases is considered unreliable, as metrics indicate poor data quality at this position in the gnomAD database. This variant has not been reported in the literature in individuals affected with SMCHD1-related conditions. ClinVar contains an entry for this variant (Variation ID: 1475201). Variants that disrupt the consensus splice site are a relatively common cause of aberrant splicing (PMID: 17576681, 9536098). Algorithms developed to predict the effect of sequence changes on RNA splicing suggest that this variant is not likely to affect RNA splicing. In summary, the available evidence is currently insufficient to determine the role of this variant in disease. Therefore, it has been classified as a Variant of Uncertain Significance.

Literature cited by the submitters: PubMed 17576681; PubMed 9536098.

NM_015295.3(SMCHD1):c.2773+6A>G

Gene: SMCHD1 (structural maintenance of chromosomes flexible hinge domain containing 1; plus strand). Cytogenetic location: 18p11.32.
Variant type: single nucleotide variant.
Coding change: c.2773+6A>G on transcript NM_015295.3 (MANE Select); 6 bases into the intron after coding-DNA position 2773, A replaced by G.
Molecular consequence: intron variant.
Genome position (GRCh38, 1-based): chr18:2,726,530, A>G. VCF-style: chr18-2726530-A-G. GRCh37 (hg19) VCF-style: chr18-2726528-A-G.
Identifiers: ClinVar variation 1475201 (VCV001475201.6), dbSNP rs1047960354, ClinGen allele CA295467813.